The following is an entry in ClinVar:

ClinVar aggregate classification (germline): Likely pathogenic (1 of 4 stars; one submission).

Conditions:
Developmental and epileptic encephalopathy, 12 (DEE12). Identifiers: MedGen C3150988, MONDO:0013389, OMIM 613722.

Submission:

Labcorp Genetics (formerly Invitae), Labcorp
Classification: Likely pathogenic for Developmental and epileptic encephalopathy, 12. Last evaluated: 2023-01-16. Review status: criteria provided, single submitter. Criteria: Invitae Variant Classification Sherloc (09022015). Collection method: clinical testing. Allele origin: germline.
Comment: In summary, the currently available evidence indicates that the variant is pathogenic, but additional data are needed to prove that conclusively. Therefore, this variant has been classified as Likely Pathogenic. Algorithms developed to predict the effect of sequence changes on RNA splicing suggest that this variant may disrupt the consensus splice site. This variant has not been reported in the literature in individuals affected with PLCB1-related conditions. This variant is not present in population databases (gnomAD no frequency). This sequence change affects a donor splice site in intron 18 of the PLCB1 gene. It is expected to disrupt RNA splicing. Variants that disrupt the donor or acceptor splice site typically lead to a loss of protein function (PMID: 16199547), and loss-of-function variants in PLCB1 are known to be pathogenic (PMID: 24684524).

Literature cited by the submitters: PubMed 16199547; PubMed 24684524.

NM_015192.4(PLCB1):c.1888+1G>A

Gene: PLCB1 (phospholipase C beta 1; plus strand). Cytogenetic location: 20p12.3.
Variant type: single nucleotide variant.
Coding change: c.1888+1G>A on transcript NM_015192.4 (MANE Select); the canonical splice donor site of the intron after coding-DNA position 1888, G replaced by A.
Molecular consequence: splice donor variant.
Genome position (GRCh38, 1-based): chr20:8,729,175, G>A. VCF-style: chr20-8729175-G-A. GRCh37 (hg19) VCF-style: chr20-8709822-G-A.
Other names: c.1888+1G>A (NM_182734.3).
Identifiers: ClinVar variation 2829218 (VCV002829218.3), dbSNP rs2515286894, ClinGen allele CA408204783.